The following is an entry in ClinVar:

ClinVar aggregate classification (germline): Uncertain significance (1 of 4 stars; one submission).

Allele frequency attached by ClinVar (database versions not stated): TOPMed below 0.00001; gnomAD 0.00001; gnomAD exomes 0.00002.
gnomAD v4.1: 30 of 1,613,794 alleles (0.0019%); highest among the groups gnomAD compares: Non-Finnish European, 0.0023%; no homozygotes.

Submission:

Labcorp Genetics (formerly Invitae), Labcorp
Classification: Uncertain significance. Last evaluated: 2022-06-15. Review status: criteria provided, single submitter. Criteria: Invitae Variant Classification Sherloc (09022015). Collection method: clinical testing. Allele origin: germline.
Comment: This sequence change replaces leucine, which is neutral and non-polar, with phenylalanine, which is neutral and non-polar, at codon 906 of the NBAS protein (p.Leu906Phe). This variant is present in population databases (no rsID available, gnomAD 0.0009%). This variant has not been reported in the literature in individuals affected with NBAS-related conditions. Algorithms developed to predict the effect of missense changes on protein structure and function are either unavailable or do not agree on the potential impact of this missense change (SIFT: "Deleterious"; PolyPhen-2: "Benign"; Align-GVGD: "Class C15"). In summary, the available evidence is currently insufficient to determine the role of this variant in disease. Therefore, it has been classified as a Variant of Uncertain Significance.

NM_015909.4(NBAS):c.2716C>T (p.Leu906Phe)

Gene: NBAS (NBAS subunit of NRZ tethering complex; minus strand). Cytogenetic location: 2p24.3.
Variant type: single nucleotide variant.
Coding change: c.2716C>T on transcript NM_015909.4 (MANE Select); coding-DNA position 2716, C replaced by T.
Protein change: p.Leu906Phe; replaces leucine 906 with phenylalanine.
Molecular consequence: missense variant. On other transcripts: non-coding transcript variant (1).
Genome position (GRCh38, 1-based): chr2:15,417,574, G>A on the plus strand (C>T on the coding strand, the complement: NBAS is on the minus strand). VCF-style: chr2-15417574-G-A. GRCh37 (hg19) VCF-style: chr2-15557698-G-A.
Other names: short protein forms L906F.
Identifiers: ClinVar variation 1953088 (VCV001953088.2), dbSNP rs963563781, ClinGen allele CA42629297.